The following is an entry in ClinVar:

ClinVar aggregate classification (germline): Uncertain significance (1 of 4 stars; one submission).

Conditions:
Multiple endocrine neoplasia, type 2 (MEN2). Identifiers: Orphanet 653, MedGen C4048306, MONDO:0019003. Disease mechanism: gain of function.

Allele frequency attached by ClinVar (database versions not stated): TOPMed below 0.00001.

Submission:

Labcorp Genetics (formerly Invitae), Labcorp
Classification: Uncertain significance for Multiple endocrine neoplasia, type 2. Last evaluated: 2020-11-12. Review status: criteria provided, single submitter. Criteria: Invitae Variant Classification Sherloc (09022015). Collection method: clinical testing. Allele origin: germline.
Comment: This sequence change replaces arginine with lysine at codon 355 of the RET protein (p.Arg355Lys). The arginine residue is weakly conserved and there is a small physicochemical difference between arginine and lysine. This variant is not present in population databases (ExAC no frequency). This variant has not been reported in the literature in individuals with RET-related conditions. Algorithms developed to predict the effect of missense changes on protein structure and function output the following: SIFT: "Tolerated"; PolyPhen-2: "Benign"; Align-GVGD: "Class C0". The lysine amino acid residue is found in multiple mammalian species, suggesting that this missense change does not adversely affect protein function. These predictions have not been confirmed by published functional studies and their clinical significance is uncertain. In summary, the available evidence is currently insufficient to determine the role of this variant in disease. Therefore, it has been classified as a Variant of Uncertain Significance.

NM_020975.6(RET):c.1064G>A (p.Arg355Lys)

Gene: RET (ret proto-oncogene; plus strand). Cytogenetic location: 10q11.21.
Variant type: single nucleotide variant.
Coding change: c.1064G>A on transcript NM_020975.6 (MANE Select); coding-DNA position 1064, G replaced by A.
Protein change: p.Arg355Lys; replaces arginine 355 with lysine.
Molecular consequence: missense variant.
Genome position (GRCh38, 1-based): chr10:43,109,031, G>A. VCF-style: chr10-43109031-G-A. GRCh37 (hg19) VCF-style: chr10-43604479-G-A.
Other names: c.1064G>A, p.Arg355Lys (NM_000323.2, NM_001406743.1, NM_001406744.1 and 6 more transcripts); c.302G>A, p.Arg101Lys (NM_001355216.2); c.935G>A, p.Arg312Lys (NM_001406761.1, NM_001406762.1, NM_001406764.1 and 1 more transcripts); c.776G>A, p.Arg259Lys (NM_001406766.1, NM_001406767.1, NM_001406770.1); c.626G>A, p.Gly209Glu (NM_001406771.1, NM_001406773.1); c.338G>A, p.Arg113Lys (NM_001406775.1, NM_001406776.1, NM_001406777.1 and 1 more transcripts); c.74G>A, p.Gly25Glu (NM_001406784.1); short protein forms R355K, R101K, R113K, G209E, G25E, R259K, R312K.
Identifiers: ClinVar variation 1468388 (VCV001468388.9), dbSNP rs1837849583, ClinGen allele CA376547158.